The following is an entry in ClinVar:

ClinVar aggregate classification (germline): association (0 of 4 stars; one submission).

Conditions:
decreased blood alpha-hydroxyisovalerate levels.

Allele frequency attached by ClinVar (database versions not stated): TOPMed 0.40773; 1000 Genomes Project 30x 0.41131; gnomAD 0.41492 and 0.42159; 1000 Genomes Project 0.41873.
gnomAD v4.1: 64,276 of 152,018 alleles (42%); highest among the groups gnomAD compares: East Asian, 59%; 15,783 homozygotes.

Submission:

Human Genetics, Leiden University Medical Centre
Classification: association for decreased blood alpha-hydroxyisovalerate levels. Last evaluated: 2014-05-11. Review status: no assertion criteria provided. Collection method: research. Allele origin: germline. Affected: yes.
Comment: In two GWA studies on blood metabolite levels, Suhre et al. (2011) and Shin et al. (2014) found a significant association between alpha-hydroxyisovalerate levels, which is a product of branched-chain amino acid metabolism, and the rs2403254 SNP (chr11.hg19:g.18325146C>T). rs2403254 lies in an intronic region of HPS5 and the phenotype had therefore been attributed to HPS5. In a separate study, Heemskerk et al. (2015) linked rs2403254 to the lactate dehydrogenase A (LDHA) gene, which lies approximately 90 kbp downstream of rs2403254. In their study they showed in vitro that lactacte dehydrogenase can convert 3-methyl-2-oxobutanoate, which is the product of valine after transamination, into alpha-hydroxyisovalerate and that chromatin interactions occur between the locus and the LDHA promoter.

Literature cited by the submitters: PubMed 24816252; PubMed 21886157.

NC_000011.10:g.18303599C>T

Genes: HPS5 (HPS5 biogenesis of lysosomal organelles complex 2 subunit 2; minus strand), LDHA (lactate dehydrogenase A; plus strand). Cytogenetic location: 11p15.1.
Variant type: single nucleotide variant.
Molecular consequence: intron variant (on NM_181507.2).
Genome position: GRCh38 VCF-style: chr11-18303599-C-T. GRCh37 (hg19) VCF-style: chr11-18325146-C-T.
Other names: c.482+2536G>A (NM_001440929.1, NM_001440928.1, NM_001440927.1); c.554+1823G>A (NM_181508.2, NM_001440921.1, NM_001440926.1 and 7 more transcripts); c.785+1823G>A (NM_001440915.1, NM_001440914.1, NM_001440913.1); c.896+1823G>A (NM_001440931.1, NM_001440917.1, NM_001440906.1 and 6 more transcripts); c.821+1823G>A (NM_001440907.1, NM_001440909.1, NM_001440908.1); c.683+1823G>A (NM_001440919.1); c.710+1823G>A (NM_001440918.1).
Identifiers: ClinVar variation 183158 (VCV000183158.3), dbSNP rs2403254, ClinGen allele CA199692.